The following is an entry in ClinVar:

ClinVar aggregate classification (germline): Likely benign. Review status: criteria provided, multiple submitters, no conflicts (2 of 4 stars). 3 submissions from 3 submitters: Likely benign (2). 1 of the submissions does not count toward it. Last evaluated 2026-06-11.

Conditions:
ATP6V1A-related disorder. Also called: ATP6V1A-related condition.

Allele frequency attached by ClinVar (database versions not stated): ExAC 0.00002; gnomAD 0.00004 and 0.00003; gnomAD exomes 0.00004 and 0.00003; TOPMed 0.00004; ESP Exome Variant Server 0.00008.
gnomAD v4.1: 64 of 1,609,214 alleles (0.004%); highest among the groups gnomAD compares: Non-Finnish European, 0.0048%; no homozygotes.

Submissions (3):

Women's Health and Genetics/Laboratory Corporation of America, LabCorp
Classification: Likely benign. Last evaluated: 2026-06-11. Review status: criteria provided, single submitter. Criteria: LabCorp Variant Classification Summary - May 2015. Collection method: clinical testing. Allele origin: germline.

Labcorp Genetics (formerly Invitae), Labcorp
Classification: Likely benign. Last evaluated: 2026-02-01. Review status: criteria provided, single submitter. Criteria: Invitae Variant Classification Sherloc (09022015). Collection method: clinical testing. Allele origin: germline.

PreventionGenetics, part of Exact Sciences
Classification: Likely benign for ATP6V1A-related condition. Last evaluated: 2019-04-17. Review status: no assertion criteria provided. Collection method: clinical testing. Allele origin: germline. Not counted in ClinVar's aggregate classification.
Comment: This variant is classified as likely benign based on ACMG/AMP sequence variant interpretation guidelines (Richards et al. 2015 PMID: 25741868, with internal and published modifications).

NM_001690.4(ATP6V1A):c.1284C>T (p.Ile428=)

Gene: ATP6V1A (ATPase H+ transporting V1 subunit A; plus strand). Cytogenetic location: 3q13.31.
Variant type: single nucleotide variant.
Coding change: c.1284C>T on transcript NM_001690.4 (MANE Select); coding-DNA position 1284, C replaced by T.
Protein change: p.Ile428=; no amino-acid change (isoleucine 428 retained).
Molecular consequence: synonymous variant.
Genome position (GRCh38, 1-based): chr3:113,795,933, C>T. VCF-style: chr3-113795933-C-T. GRCh37 (hg19) VCF-style: chr3-113514780-C-T.
Other names: c.1284C>T (NM_001690.3).
Identifiers: ClinVar variation 1597452 (VCV001597452.11), dbSNP rs370231379, ClinGen allele CA2548016.
Genomic context (GRCh38, chr3:113,795,933, plus strand): 5'-TAGAGTTTCTCCACCTGGTGGTGATTTTTCTGATCCAGTTACATCTGCCACTCTTGGTAT[C>T]GTTCAGGTATGTCTTTCCCTAGTATAGTCAACTTCTGAGCCTTTCCTCCTCTCTGCAGCC-3'
Protein context (NP_001681.2, residues 418-438): SDPVTSATLG[Ile428=]VQVFWGLDKK